The following is an entry in ClinVar:

ClinVar aggregate classification (germline): Uncertain significance. Review status: criteria provided, multiple submitters, no conflicts (2 of 4 stars). 2 submissions from 2 submitters: Uncertain significance (2). Last evaluated 2025-11-26.

Conditions:
Inborn genetic diseases. Identifiers: MedGen C0950123, MeSH D030342.

Allele frequency attached by ClinVar (database versions not stated): TOPMed below 0.00001; gnomAD exomes 0.00001.
gnomAD v4.1: 7 of 1,613,784 alleles (0.00043%); highest among the groups gnomAD compares: African/African-American, 0.0013%; no homozygotes.

Submissions (2):

Ambry Genetics
Classification: Uncertain significance for Inborn genetic diseases. Last evaluated: 2025-11-26. Review status: criteria provided, single submitter. Criteria: Ambry Variant Classification Scheme 2023. Collection method: clinical testing. Allele origin: germline.

Labcorp Genetics (formerly Invitae), Labcorp
Classification: Uncertain significance. Last evaluated: 2022-07-14. Review status: criteria provided, single submitter. Criteria: Invitae Variant Classification Sherloc (09022015). Collection method: clinical testing. Allele origin: germline.
Comment: In summary, the available evidence is currently insufficient to determine the role of this variant in disease. Therefore, it has been classified as a Variant of Uncertain Significance. Algorithms developed to predict the effect of missense changes on protein structure and function are either unavailable or do not agree on the potential impact of this missense change (SIFT: "Tolerated"; PolyPhen-2: "Possibly Damaging"; Align-GVGD: "Class C0"). This variant has not been reported in the literature in individuals affected with CDAN1-related conditions. This variant is not present in population databases (gnomAD no frequency). This sequence change replaces methionine, which is neutral and non-polar, with valine, which is neutral and non-polar, at codon 489 of the CDAN1 protein (p.Met489Val).

NM_138477.4(CDAN1):c.1465A>G (p.Met489Val)

Gene: CDAN1 (codanin 1; minus strand). Cytogenetic location: 15q15.2.
Variant type: single nucleotide variant.
Coding change: c.1465A>G on transcript NM_138477.4 (MANE Select); coding-DNA position 1465, A replaced by G.
Protein change: p.Met489Val; replaces methionine 489 with valine.
Molecular consequence: missense variant.
Genome position (GRCh38, 1-based): chr15:42,732,401, T>C on the plus strand (A>G on the coding strand, the complement: CDAN1 is on the minus strand). VCF-style: chr15-42732401-T-C. GRCh37 (hg19) VCF-style: chr15-43024599-T-C.
Other names: c.1465A>G (NM_138477.2); short protein forms M489V.
Identifiers: ClinVar variation 2022364 (VCV002022364.5), dbSNP rs1248010544, ClinGen allele CA392048648.